The following is an entry in ClinVar:

NM_001010874.5(TECRL):c.893T>C (p.Val298Ala)

Gene: TECRL (trans-2,3-enoyl-CoA reductase like; minus strand). Cytogenetic location: 4q13.1.
Variant type: single nucleotide variant.
Coding change: c.893T>C on transcript NM_001010874.5 (MANE Select); coding-DNA position 893, T replaced by C.
Protein change: p.Val298Ala; replaces valine 298 with alanine.
Molecular consequence: missense variant.
Genome position (GRCh38, 1-based): chr4:64,281,499, A>G on the plus strand (T>C on the coding strand, the complement: TECRL is on the minus strand). VCF-style: chr4-64281499-A-G. GRCh37 (hg19) VCF-style: chr4-65147217-A-G.
Other names: p.Val298Ala; c.893T>C, p.Val298Ala (NM_001363796.1); short protein forms V298A.
Identifiers: ClinVar variation 1321522 (VCV001321522.13), dbSNP rs146610448, ClinGen allele CA2935314.

ClinVar aggregate classification (germline): Conflicting classifications of pathogenicity. Review status: criteria provided, conflicting classifications (1 of 4 stars). 8 submissions from 8 submitters: Uncertain significance (7); Likely benign (1). Last evaluated 2025-10-03.

Conditions:
Cardiovascular phenotype. Identifiers: MedGen CN230736.
Catecholaminergic polymorphic ventricular tachycardia 3. Identifiers: Orphanet 3286, MedGen C3151463, MONDO:0013529, OMIM 614021.

Allele frequency attached by ClinVar (database versions not stated): 1000 Genomes Project 30x 0.00016; 1000 Genomes Project 0.00020; gnomAD 0.00093 and 0.00096; gnomAD exomes 0.00094 and 0.00163; ExAC 0.00095; TOPMed 0.00117; ESP Exome Variant Server 0.00138.
gnomAD v4.1: 2,508 of 1,604,722 alleles (0.16%); highest among the groups gnomAD compares: Non-Finnish European, 0.2%; 5 homozygotes.

Submissions (8):

Mayo Clinic Laboratories, Mayo Clinic
Classification: Uncertain significance. Last evaluated: 2025-10-03. Review status: criteria provided, single submitter. Criteria: ACMG Guidelines, 2015. Collection method: clinical testing. Allele origin: germline. Observed: 2 variant alleles.
Comment: BS1

Molecular Diagnostic Laboratory for Inherited Cardiovascular Disease, Montreal Heart Institute
Classification: Uncertain significance for Cardiovascular phenotype. Last evaluated: 2025-04-09. Review status: criteria provided, single submitter. Criteria: ACMG Guidelines, 2015. Collection method: clinical testing. Allele origin: germline. Affected: yes.

Women's Health and Genetics/Laboratory Corporation of America, LabCorp
Classification: Uncertain significance. Last evaluated: 2025-02-10. Review status: criteria provided, single submitter. Criteria: LabCorp Variant Classification Summary - May 2015. Collection method: clinical testing. Allele origin: germline.
Comment: Variant summary: TECRL c.893T>C (p.Val298Ala) results in a non-conservative amino acid change located in the 3-oxo-5-alpha-steroid 4-dehydrogenase, C-terminal domain (IPR001104) of the encoded protein sequence. Four of five in-silico tools predict a damaging effect of the variant on protein function. The variant allele was found at a frequency of 0.00094 in 245588 control chromosomes (gnomAD). This frequency is not significantly higher than estimated for a pathogenic variant in TECRL causing Catecholaminergic Polymorphic Ventricular Tachycardia (0.00094 vs 0.0025), allowing no conclusion about variant significance. c.893T>C has been reported in the literature in at least one compound heterozygous individual affected with Arrhythmia (Marschall_2019). These data do not allow any conclusion about variant significance. To our knowledge, no experimental evidence demonstrating an impact on protein function has been reported. The following publications have been ascertained in the context of this evaluation (PMID: 31737537, 32173957). ClinVar contains an entry for this variant (Variation ID: 1321522). Based on the evidence outlined above, the variant was classified as uncertain significance.

Blueprint Genetics
Classification: Uncertain significance. Last evaluated: 2024-10-30. Review status: criteria provided, single submitter. Criteria: ACMG Guidelines, 2015. Collection method: clinical testing. Allele origin: germline.

ARUP Laboratories, Molecular Genetics and Genomics, ARUP Laboratories
Classification: Uncertain significance for Catecholaminergic polymorphic ventricular tachycardia 3. Last evaluated: 2024-02-29. Review status: criteria provided, single submitter. Criteria: ARUP Molecular Germline Variant Investigation Process 2024. Collection method: clinical testing. Allele origin: germline.
Comment: The TECRL c.893T>C; p.Val298Ala variant (rs146610448) is reported in the literature in the compound heterozygous state with a different truncating variant in TECRL an individual affected with catecholaminergic polymorphic ventricular tachycardia (Moscu-Gregor 2020). This variant is also reported in ClinVar (Variation ID: 1321522), and is found in the general population with an overall allele frequency of 0.093% (257/276910 alleles) in the Genome Aggregation Database. The valine at codon 298 is highly conserved, and computational analyses are uncertain whether this variant is neutral or deleterious (REVEL: 0.478). Due to limited clinical data and a lack of functional data, the significance of this variant is uncertain at this time. References: Moscu-Gregor A et al. Novel variants in TECRL cause recessive inherited CPVT type 3 with severe and variable clinical symptoms. J Cardiovasc Electrophysiol. 2020 Jun;31(6):1527-1535. PMID: 32173957.

Ambry Genetics
Classification: Likely benign for Cardiovascular phenotype. Last evaluated: 2022-05-23. Review status: criteria provided, single submitter. Criteria: Ambry Variant Classification Scheme 2023. Collection method: clinical testing. Allele origin: germline.

Victorian Clinical Genetics Services, Murdoch Childrens Research Institute
Classification: Uncertain significance for Catecholaminergic polymorphic ventricular tachycardia 3. Last evaluated: 2022-03-31. Review status: criteria provided, single submitter. Criteria: ACMG Guidelines, 2015. Collection method: clinical testing. Allele origin: germline. Inheritance: Autosomal recessive inheritance. Affected: yes.
Comment: Based on the classification scheme VCGS_Germline_v1.3.4, this variant is classified as VUS-3B. Following criteria are met: 0102 - Loss of function is a known mechanism of disease in this gene and is associated with catecholaminergic polymorphic ventricular tachycardia 3 (CPVT; MIM#614021). (I) 0106 - This gene is associated with autosomal recessive disease. (I) 0115 - Variants in this gene are known to have variable expressivity (PMID: 32173957). (I) 0200 - Variant is predicted to result in a missense amino acid change from valine to alanine. (I) 0251 - This variant is heterozygous. (I) 0304 - Variant is present in gnomAD (v2) <0.01 for a recessive condition (257 heterozygotes, 0 homozygotes). (SP) 0502 - Missense variant with conflicting in silico predictions and uninformative conservation. (I) 0600 - Variant is located in the annotated 3-oxo-5-alpha steroid 4-dehydrogenase domain (DECIPHER, PMID: 32173957). (I) 0705 - No comparable missense variants have previous evidence for pathogenicity. (I) 0808 - Previous reports of pathogenicity for this variant are conflicting. This variant has been reported as a VUS (ClinVar, LOVD), and described in a compound heterozygous individual with long QT syndrome (LQTS) and CPVT. This individual's child also has features of LQTS but was only heterozygous for this variant (PMID: 32173957, PMID: 31737537). (I) 0905 - No published segregation evidence has been identified for this variant. (I) 1007 - No published functional evidence has been identified for this variant. (I) 1208 - Inheritance information for this variant is not currently available in this individual. (I) Legend: (SP) - Supporting pathogenic, (I) - Information, (SB) - Supporting benign

GeneDx
Classification: Uncertain significance. Last evaluated: 2021-07-27. Review status: criteria provided, single submitter. Criteria: GeneDx Variant Classification Process June 2021. Collection method: clinical testing. Allele origin: germline. Affected: yes.
Comment: Reported in a patient with syncope and arrhythmia who also harbors a nonsense variant in the TECRL gene (Marschall et al., 2019); In silico analysis, which includes protein predictors and evolutionary conservation, supports a deleterious effect; This variant is associated with the following publications: (PMID: 31737537, 32173957)

Literature cited by the submitters: PubMed 31737537 (cited by 4 submitters); PubMed 32173957 (cited by 4 submitters).